The following continues an entry in ClinVar:

NM_001042492.3(NF1):c.2041C>T (p.Arg681Ter)

Gene: NF1. ClinVar aggregate classification (germline): Pathogenic. Pathogenic (20).

Submissions 15 to 24 of 24:

Foundation for Research in Genetics and Endocrinology, FRIGE's Institute of Human Genetics
Classification: Pathogenic for Neurofibromatosis, type 1. Last evaluated: 2021-07-12. Review status: criteria provided, single submitter. Criteria: ACMG Guidelines, 2015. Collection method: research. Allele origin: de novo. Inheritance: Autosomal dominant inheritance. Affected: yes. Observed: 1 heterozygote.
Comment: A heterozygous nonsense variation in exon 18 of the NF1 gene that results in premature truncation of the Arginine at codon 681. The observed variant c.2041C>T (p.Arg681Ter) has not been reported in the 1000 genomes but has a MAF of 0.01% in the gnomAD database. The in silico prediction of the variant are damaging by DANN, LRT and MutationTaster2. The reference codon is conserved across species. Segregation analysis showed this variant to be de novo. In summary, the variant meets our criteria to be classified as a pathogenic variant.

Genome Diagnostics Laboratory, The Hospital for Sick Children
Classification: Pathogenic for Neurofibromatosis, type 1. Last evaluated: 2020-10-26. Review status: criteria provided, single submitter. Criteria: ACMG Guidelines, 2015. Collection method: clinical testing. Allele origin: germline. Affected: yes.

ARUP Laboratories, Molecular Genetics and Genomics, ARUP Laboratories
Classification: Pathogenic. Last evaluated: 2019-03-28. Review status: criteria provided, single submitter. Criteria: ARUP Molecular Germline Variant Investigation Process. Collection method: clinical testing. Allele origin: germline.
Comment: The NF1 c.2041C>T; p.Arg681Ter variant (rs768638173) is reported in the literature in individuals with neurofibromatosis type 1 (NF1) (Ars 2000, Kim 2014, Violante 2013). Functional analyses show the variant significantly decreases NF1 gene expression and function (Li 2016, Toonen 2016). This variant is reported as pathogenic by multiple laboratories in ClinVar (Variation ID: 188280), and is found in the general population with a very low allele frequency of 0.0004% (1/245466 alleles) in the Genome Aggregation Database. This variant induces an early termination codon and is predicted to result in a truncated protein or mRNA subject to nonsense-mediated decay. Based on available information, this variant is considered to be pathogenic. References: Ars E et al. Mutations affecting mRNA splicing are the most common molecular defects in patients with neurofibromatosis type 1. Hum Mol Genet. 2000 Jan 22;9(2):237-47. Kim MJ et al. Neurofibromatosis type 1: a single center's experience in Korea. Korean J Pediatr.2014 Sep;57(9):410-5. Li K et al. Mice with missense and nonsense NF1 mutations display divergent phenotypes compared with human neurofibromatosis type I. Dis Model Mech. 2016 Jul 1;9(7):759-67. Toonen JA et al. NF1 germline mutation differentially dictates optic glioma formation and growth in neurofibromatosis-1. Hum Mol Genet. 2016 May 1;25(9):1703-13. Violante IR et al. GABA deficit in the visual cortex of patients with neurofibromatosis type 1: genotype-phenotype correlations and functional impact. Brain. 2013 Mar;136(Pt 3):918-25.

Center for Human Genetics, Inc
Classification: Pathogenic for Neurofibromatosis, type 1. Last evaluated: 2016-11-01. Review status: criteria provided, single submitter. Criteria: ACMG Guidelines, 2015. Collection method: clinical testing. Allele origin: germline. Affected: yes.

Centre for Mendelian Genomics, University Medical Centre Ljubljana
Classification: Pathogenic for Axillary freckling; Cafe-au-lait spot; Optic nerve glioma. Last evaluated: 2015-10-22. Review status: criteria provided, single submitter. Criteria: ACMG Guidelines, 2015. Collection method: clinical testing. Allele origin: unknown. Affected: yes.

Juno Genomics, Hangzhou Juno Genomics, Inc
Classification: Pathogenic for Neurofibromatosis, type 1. Review status: criteria provided, single submitter. Criteria: ACMG Guidelines, 2015. Collection method: clinical testing. Allele origin: germline. Affected: yes.
Comment: Null variant in a gene where loss of function (LOF) is a known mechanism of disease.;Absent from controls (or at extremely low frequency if recessive) in Genome Aggregation Database, Exome Sequencing Project, 1000 Genomes Project, or Exome Aggregation Consortium.;The prevalence of the variant in affected individuals is significantly increased compared to the prevalence in controls.;Patient's phenotype or family history is highly specific for a disease with a single genetic etiology.;Assumed de novo, but without confirmation of paternity and maternity.

Human Genetics Research Lab, Central University of Jammu
Classification: Pathogenic for Neurofibromatosis, type 1. Last evaluated: 2021-07-29. Review status: no assertion criteria provided. Collection method: research. Allele origin: germline. Inheritance: Autosomal dominant inheritance. Affected: yes. Observed: 5 variant alleles, 4 heterozygotes, 1 homozygote. Not counted in ClinVar's aggregate classification.
Comment: In this first report of NF1 from Jammu and Kashmir India, Study of the NF1 family, indicating the autosomal dominant mode of transmission of NM_000267.3:c.2041C>T NF1 variation. The variation was seen perfectly segregating with the disease in the 3 generational family. Source OMIM: Neurofibromatosis type I (NF1) is caused by heterozygous mutation in the neurofibromin gene (NF1; 613113).

Human Genome Sequencing Center Clinical Lab, Baylor College of Medicine
Classification: Pathogenic for Rhabdomyosarcoma. Last evaluated: 2020-09-01. Review status: no assertion criteria provided. Collection method: provider interpretation. Allele origin: germline. Affected: yes. Not counted in ClinVar's aggregate classification.

Clinical Molecular Genetics Laboratory, Johns Hopkins All Children's Hospital
Classification: Pathogenic for Neurofibromatosis, type 1. Last evaluated: 2015-10-02. Review status: no assertion criteria provided. Collection method: clinical testing. Allele origin: germline. Affected: yes. Not counted in ClinVar's aggregate classification.

Laboratori Clínic ICS Lleida, Hospital Universitari Arnau de Vilanova
Classification: Pathogenic for Neurofibromatosis, type 1. Review status: no assertion criteria provided. Collection method: clinical testing. Allele origin: maternal. Inheritance: Autosomal dominant inheritance. Affected: yes. Observed: 2 variant alleles, 2 heterozygotes. Clinical features observed: Gastrointestinal stromal tumor (HP:0100723), Neurofibroma (HP:0001067), Cafe-au-lait spot (HP:0000957). Not counted in ClinVar's aggregate classification.
Comment: We report an NF1 variant that we associated with GIST tumour

Literature cited by the submitters: PubMed 10712197 (cited by Labcorp Genetics (formerly Invitae), Labcorp and Athena Diagnostics); PubMed 23913538 (cited by Labcorp Genetics (formerly Invitae), Labcorp); PubMed 10607834 (cited by 4 submitters); PubMed 23404336 (cited by 3 submitters); PubMed 25324867 (cited by Labcorp Genetics (formerly Invitae), Labcorp and Dasa); PubMed 26908603 (cited by 3 submitters); PubMed 27482814 (cited by 3 submitters); PubMed 26666878 (cited by Dasa); PubMed 31370276 (cited by Dasa); PubMed 31533651 (cited by Dasa); PubMed 12807981 (cited by Ambry Genetics and Athena Diagnostics); PubMed 16944272 (cited by Ambry Genetics); PubMed 25325900 (cited by Ambry Genetics); PubMed 26973730 (cited by Ambry Genetics and Athena Diagnostics); PubMed 27171602 (cited by Ambry Genetics and Athena Diagnostics); PubMed 31717729 (cited by Ambry Genetics); PubMed 34080803 (cited by Ambry Genetics); PubMed 29522274 (cited by Athena Diagnostics); PubMed 22190595 (cited by Athena Diagnostics); PubMed 12112660 (cited by Athena Diagnostics); PubMed 22155606 (cited by Athena Diagnostics); PubMed 19738042 (cited by Athena Diagnostics); PubMed 17668375 (cited by Athena Diagnostics); PubMed 33372952 (cited by Human Genome Sequencing Center Clinical Lab, Baylor College of Medicine).